The following is an entry in ClinVar:

NM_152393.4(KLHL40):c.976G>A (p.Glu326Lys)

Gene: KLHL40 (kelch like family member 40; plus strand). Cytogenetic location: 3p22.1.
Variant type: single nucleotide variant.
Coding change: c.976G>A on transcript NM_152393.4 (MANE Select); coding-DNA position 976, G replaced by A.
Protein change: p.Glu326Lys; replaces glutamic acid 326 with lysine.
Molecular consequence: missense variant.
Genome position (GRCh38, 1-based): chr3:42,686,594, G>A. VCF-style: chr3-42686594-G-A. GRCh37 (hg19) VCF-style: chr3-42728086-G-A.
Other names: short protein forms E326K.
Identifiers: ClinVar variation 841450 (VCV000841450.6), dbSNP rs1697277396, ClinGen allele CA352292053.

ClinVar aggregate classification (germline): Uncertain significance (1 of 4 stars; one submission).

Conditions:
Nemaline myopathy 8 (NEM8). Also called: Nemaline myopathy 8, autosomal recessive. Identifiers: Orphanet 171430, MedGen C3809209, MONDO:0014138, OMIM 615348.

Submission:

Labcorp Genetics (formerly Invitae), Labcorp
Classification: Uncertain significance for Nemaline myopathy 8. Last evaluated: 2019-03-20. Review status: criteria provided, single submitter. Criteria: Invitae Variant Classification Sherloc (09022015). Collection method: clinical testing. Allele origin: germline.
Comment: In summary, the available evidence is currently insufficient to determine the role of this variant in disease. Therefore, it has been classified as a Variant of Uncertain Significance. Algorithms developed to predict the effect of missense changes on protein structure and function (SIFT, PolyPhen-2, Align-GVGD) all suggest that this variant is likely to be tolerated, but these predictions have not been confirmed by published functional studies and their clinical significance is uncertain. This variant has not been reported in the literature in individuals with KLHL40-related conditions. This variant is not present in population databases (ExAC no frequency). This sequence change replaces glutamic acid with lysine at codon 326 of the KLHL40 protein (p.Glu326Lys). The glutamic acid residue is highly conserved and there is a small physicochemical difference between glutamic acid and lysine.